The following is an entry in ClinVar:

NM_001351132.2(PEX5):c.1902G>A (p.Met634Ile)

Gene: PEX5 (peroxisomal biogenesis factor 5; plus strand). Cytogenetic location: 12p13.31.
Variant type: single nucleotide variant.
Coding change: c.1902G>A on transcript NM_001351132.2 (MANE Select); coding-DNA position 1902, G replaced by A.
Protein change: p.Met634Ile; replaces methionine 634 with isoleucine.
Molecular consequence: missense variant.
Genome position (GRCh38, 1-based): chr12:7,210,205, G>A. VCF-style: chr12-7210205-G-A. GRCh37 (hg19) VCF-style: chr12-7362801-G-A.
Other names: c.1878G>A, p.Met626Ile (NM_000319.5); c.1947G>A, p.Met649Ile (NM_001131023.2); c.1791G>A, p.Met597Ile (NM_001131024.2, NM_001351124.3, NM_001351126.2 and 7 more transcripts); c.1902G>A, p.Met634Ile (NM_001131025.2, NM_001131026.2, NM_001300789.3 and 4 more transcripts); c.1836G>A, p.Met612Ile (NM_001351135.3, NM_001351138.2); c.1893G>A, p.Met631Ile (NM_001351136.2); c.1767G>A, p.Met589Ile (NM_001351139.2, NM_001351140.2, NM_001374649.2); short protein forms M626I, M634I, M612I, M631I, M649I, M589I, M597I.
Identifiers: ClinVar variation 310435 (VCV000310435.13), dbSNP rs145886418, ClinGen allele CA6426621.

ClinVar aggregate classification (germline): Conflicting classifications of pathogenicity. Review status: criteria provided, conflicting classifications (1 of 4 stars). 7 submissions from 5 submitters: Uncertain significance (5); Likely benign (1). 1 of the submissions does not count toward it. Last evaluated 2024-11-04.

Conditions:
PEX5-related disorder. Also called: PEX5-Related Disorders; PEX5-related condition.
Peroxisome biogenesis disorder 2A (Zellweger) (PBD2A). Also called: Cerebrohepatorenal syndrome, variant types. Identifiers: Orphanet 912, MedGen C3550273, MONDO:0008954, OMIM 214110.
Rhizomelic chondrodysplasia punctata type 5 (RCDP5). Identifiers: Orphanet 468717, MedGen C4225237, MONDO:0014743, OMIM 616716.
Peroxisome biogenesis disorder 2B (PBD2B). Identifiers: Orphanet 44, MedGen C3550234, MONDO:0008736, OMIM 202370.

Allele frequency attached by ClinVar (database versions not stated): gnomAD 0.00005 and 0.00006; ExAC 0.00007; gnomAD exomes 0.00007 and 0.00016; TOPMed 0.00011; ESP Exome Variant Server 0.00031.
gnomAD v4.1: 122 of 1,614,082 alleles (0.0076%); highest among the groups gnomAD compares: Middle Eastern, 0.033%; no homozygotes.

Submissions (7):

Blueprint Genetics
Classification: Likely benign. Last evaluated: 2024-11-04. Review status: criteria provided, single submitter. Criteria: ACMG Guidelines, 2015. Collection method: clinical testing. Allele origin: germline.

Baylor Genetics
Classification: Uncertain significance for Rhizomelic chondrodysplasia punctata type 5. Last evaluated: 2022-11-28. Review status: criteria provided, single submitter. Criteria: ACMG Guidelines, 2015. Collection method: clinical testing. Allele origin: unknown.

Baylor Genetics
Classification: Uncertain significance for Peroxisome biogenesis disorder 2A (Zellweger). Last evaluated: 2022-11-28. Review status: criteria provided, single submitter. Criteria: ACMG Guidelines, 2015. Collection method: clinical testing. Allele origin: unknown.

Baylor Genetics
Classification: Uncertain significance for Peroxisome biogenesis disorder 2B. Last evaluated: 2022-11-28. Review status: criteria provided, single submitter. Criteria: ACMG Guidelines, 2015. Collection method: clinical testing. Allele origin: unknown.

Labcorp Genetics (formerly Invitae), Labcorp
Classification: Uncertain significance for Peroxisome biogenesis disorder 2B. Last evaluated: 2022-11-02. Review status: criteria provided, single submitter. Criteria: Invitae Variant Classification Sherloc (09022015). Collection method: clinical testing. Allele origin: germline.
Comment: This sequence change replaces methionine, which is neutral and non-polar, with isoleucine, which is neutral and non-polar, at codon 634 of the PEX5 protein (p.Met634Ile). This variant is present in population databases (rs145886418, gnomAD 0.2%). This variant has not been reported in the literature in individuals affected with PEX5-related conditions. ClinVar contains an entry for this variant (Variation ID: 310435). Advanced modeling of protein sequence and biophysical properties (such as structural, functional, and spatial information, amino acid conservation, physicochemical variation, residue mobility, and thermodynamic stability) performed at Invitae indicates that this missense variant is not expected to disrupt PEX5 protein function. In summary, the available evidence is currently insufficient to determine the role of this variant in disease. Therefore, it has been classified as a Variant of Uncertain Significance.

Illumina Laboratory Services, Illumina
Classification: Uncertain significance for Peroxisome biogenesis disorder 2A (Zellweger). Last evaluated: 2018-01-12. Review status: criteria provided, single submitter. Criteria: ICSL Variant Classification Criteria 13 December 2019. Collection method: clinical testing. Allele origin: germline.

PreventionGenetics, part of Exact Sciences
Classification: Likely benign for PEX5-related condition. Last evaluated: 2022-12-07. Review status: no assertion criteria provided. Collection method: clinical testing. Allele origin: germline. Not counted in ClinVar's aggregate classification.
Comment: This variant is classified as likely benign based on ACMG/AMP sequence variant interpretation guidelines (Richards et al. 2015 PMID: 25741868, with internal and published modifications).